The following is an entry in ClinVar:

ClinVar aggregate classification (germline): Uncertain significance. Review status: criteria provided, multiple submitters, no conflicts (2 of 4 stars). 2 submissions from 2 submitters: Uncertain significance (2). Last evaluated 2025-09-28.

Allele frequency attached by ClinVar (database versions not stated): ExAC 0.00027; TOPMed 0.00011; ESP Exome Variant Server 0.00008; gnomAD 0.00011.
gnomAD v4.1: 185 of 1,612,594 alleles (0.011%); highest among the groups gnomAD compares: Non-Finnish European, 0.014%; no homozygotes.

Submissions (2):

Ambry Genetics
Classification: Uncertain significance. Last evaluated: 2025-09-28. Review status: criteria provided, single submitter. Criteria: Ambry Variant Classification Scheme 2023. Collection method: clinical testing. Allele origin: germline.

Labcorp Genetics (formerly Invitae), Labcorp
Classification: Uncertain significance. Last evaluated: 2025-09-10. Review status: criteria provided, single submitter. Criteria: Invitae Variant Classification Sherloc (09022015). Collection method: clinical testing. Allele origin: germline.
Comment: This sequence change replaces methionine, which is neutral and non-polar, with valine, which is neutral and non-polar, at codon 402 of the XPO5 protein (p.Met402Val). This variant is present in population databases (rs370562231, gnomAD 0.03%). This variant has not been reported in the literature in individuals affected with XPO5-related conditions. ClinVar contains an entry for this variant (Variation ID: 2589262). An algorithm developed to predict the effect of missense changes on protein structure and function (PolyPhen-2) suggests that this variant is likely to be tolerated. In summary, the available evidence is currently insufficient to determine the role of this variant in disease. Therefore, it has been classified as a Variant of Uncertain Significance.

NM_020750.3(XPO5):c.1204A>G (p.Met402Val)

Genes: POLR1C (RNA polymerase I and III subunit C; plus strand), XPO5 (exportin 5; minus strand). Cytogenetic location: 6p21.1.
Variant type: single nucleotide variant.
Coding change: c.1204A>G on transcript NM_020750.3 (MANE Select); coding-DNA position 1204, A replaced by G.
Protein change: p.Met402Val; replaces methionine 402 with valine.
Molecular consequence: missense variant. On other transcripts: non-coding transcript variant (1), intron variant (1).
Genome position (GRCh38, 1-based): chr6:43,560,195, T>C on the plus strand (A>G on the coding strand, the complement: XPO5 is on the minus strand). VCF-style: chr6-43560195-T-C. GRCh37 (hg19) VCF-style: chr6-43527932-T-C.
Other names: c.*43-1205T>C (NM_001363658.2); short protein forms M402V.
Identifiers: ClinVar variation 2589262 (VCV002589262.2), dbSNP rs370562231, ClinGen allele CA3826491.
Genomic context (GRCh38, chr6:43,560,195, plus strand): 5'-TGTATTCACCTACATTCCACATGTTTAGATTCCCATTATATACCTTGACCAAGTTAGTCA[T>C]GGAAGCACGAAGATATTTTGGTATTATTGCTAATAGCAAAGGATCACGGGACAGGATTTC-3'
Protein context (NP_065801.1, residues 392-412): AIIPKYLRAS[Met402Val]TNLVKMGFPS